The following is an entry in ClinVar:

ClinVar aggregate classification (germline): Uncertain significance. Review status: criteria provided, multiple submitters, no conflicts (2 of 4 stars). 2 submissions from 2 submitters: Uncertain significance (2). Last evaluated 2025-12-03.

Conditions:
Orofaciodigital syndrome type 6 (OFD6). Also called: VARADI SYNDROME; VARADI-PAPP SYNDROME; Oral-facial-digital syndrome type 6; Central polydactyly cleft lip/palate or lingual lump and psychomotor retardation; Y-shaped central metacarpal and cerebellar defect; Joubert syndrome with orofacialdigital anomalies. Identifiers: Orphanet 2754, MedGen C2745997, MONDO:0010176, OMIM 277170.
Joubert syndrome 17 (JBTS17). Identifiers: Orphanet 475, MedGen C3553264, MONDO:0013824, OMIM 614615.

Allele frequency attached by ClinVar (database versions not stated): ExAC 0.00001; gnomAD 0.00001; TOPMed 0.00001; gnomAD exomes 0.00003.
gnomAD v4.1: 49 of 1,613,796 alleles (0.003%); highest among the groups gnomAD compares: Non-Finnish European, 0.0042%; 1 homozygote.

Submissions (2):

Labcorp Genetics (formerly Invitae), Labcorp
Classification: Uncertain significance. Last evaluated: 2025-12-03. Review status: criteria provided, single submitter. Criteria: Invitae Variant Classification Sherloc (09022015). Collection method: clinical testing. Allele origin: germline.
Comment: This sequence change replaces alanine, which is neutral and non-polar, with valine, which is neutral and non-polar, at codon 2637 of the CPLANE1 protein (p.Ala2637Val). This variant is present in population databases (rs778345084, gnomAD 0.002%). This variant has not been reported in the literature in individuals affected with CPLANE1-related conditions. ClinVar contains an entry for this variant (Variation ID: 2051353). Invitae Evidence Modeling of protein sequence and biophysical properties (such as structural, functional, and spatial information, amino acid conservation, physicochemical variation, residue mobility, and thermodynamic stability) indicates that this missense variant is not expected to disrupt CPLANE1 protein function with a negative predictive value of 95%. Algorithms developed to predict the effect of sequence changes on RNA splicing suggest that this variant may create or strengthen a splice site. In summary, the available evidence is currently insufficient to determine the role of this variant in disease. Therefore, it has been classified as a Variant of Uncertain Significance.

Fulgent Genetics
Classification: Uncertain significance for Orofaciodigital syndrome type 6; Joubert syndrome 17. Last evaluated: 2024-02-22. Review status: criteria provided, single submitter. Criteria: ACMG Guidelines, 2015. Collection method: clinical testing. Allele origin: germline.

NM_001384732.1(CPLANE1):c.7964C>T (p.Ala2655Val)

Gene: CPLANE1 (ciliogenesis and planar polarity effector complex subunit 1; minus strand). Cytogenetic location: 5p13.2.
Variant type: single nucleotide variant.
Coding change: c.7964C>T on transcript NM_001384732.1 (MANE Select); coding-DNA position 7964, C replaced by T.
Protein change: p.Ala2655Val; replaces alanine 2655 with valine.
Molecular consequence: missense variant.
Genome position (GRCh38, 1-based): chr5:37,157,717, G>A on the plus strand (C>T on the coding strand, the complement: CPLANE1 is on the minus strand). VCF-style: chr5-37157717-G-A. GRCh37 (hg19) VCF-style: chr5-37157819-G-A.
Other names: c.7910C>T (NM_023073.3); c.7910C>T, p.Ala2637Val (NM_023073.4); short protein forms A2637V, A2655V.
Identifiers: ClinVar variation 2051353 (VCV002051353.3), dbSNP rs778345084, ClinGen allele CA3237908.